The following is an entry in ClinVar:

ClinVar aggregate classification (germline): Uncertain significance. Review status: criteria provided, multiple submitters, no conflicts (2 of 4 stars). 2 submissions from 2 submitters: Uncertain significance (2). Last evaluated 2024-06-25.

Conditions:
Inborn genetic diseases. Identifiers: MedGen C0950123, MeSH D030342.

Allele frequency attached by ClinVar (database versions not stated): gnomAD exomes below 0.00001; ExAC 0.00001; ESP Exome Variant Server 0.00008.
gnomAD v4.1: 3 of 1,613,344 alleles (0.00019%); highest among the groups gnomAD compares: Middle Eastern, 0.017%; no homozygotes.

Submissions (2):

Ambry Genetics
Classification: Uncertain significance for Inborn genetic diseases. Last evaluated: 2024-06-25. Review status: criteria provided, single submitter. Criteria: Ambry Variant Classification Scheme 2023. Collection method: clinical testing. Allele origin: germline.

GeneDx
Classification: Uncertain significance. Last evaluated: 2022-08-12. Review status: criteria provided, single submitter. Criteria: GeneDx Variant Classification Process June 2021. Collection method: clinical testing. Allele origin: germline. Affected: yes.
Comment: Not observed at significant frequency in large population cohorts (gnomAD); In silico analysis supports that this missense variant has a deleterious effect on protein structure/function; Has not been previously published as pathogenic or benign to our knowledge

NM_006420.3(ARFGEF2):c.2407G>T (p.Gly803Cys)

Gene: ARFGEF2 (ARF guanine nucleotide exchange factor 2; plus strand). Cytogenetic location: 20q13.13.
Variant type: single nucleotide variant.
Coding change: c.2407G>T on transcript NM_006420.3 (MANE Select); coding-DNA position 2407, G replaced by T.
Protein change: p.Gly803Cys; replaces glycine 803 with cysteine.
Molecular consequence: missense variant.
Genome position (GRCh38, 1-based): chr20:48,988,536, G>T. VCF-style: chr20-48988536-G-T. GRCh37 (hg19) VCF-style: chr20-47605073-G-T.
Other names: short protein forms G803C.
Identifiers: ClinVar variation 1314468 (VCV001314468.4), dbSNP rs371043044, ClinGen allele CA9898639.